The following is an entry in ClinVar:

NM_003849.4(SUCLG1):c.63C>A (p.Leu21=)

Gene: SUCLG1 (succinate-CoA ligase GDP/ADP-forming subunit alpha; minus strand). Cytogenetic location: 2p11.2.
Variant type: single nucleotide variant.
Coding change: c.63C>A on transcript NM_003849.4 (MANE Select); coding-DNA position 63, C replaced by A.
Protein change: p.Leu21=; no amino-acid change (leucine 21 retained).
Molecular consequence: synonymous variant.
Genome position (GRCh38, 1-based): chr2:84,459,207, G>T on the plus strand (C>A on the coding strand, the complement: SUCLG1 is on the minus strand). VCF-style: chr2-84459207-G-T. GRCh37 (hg19) VCF-style: chr2-84686331-G-T.
Identifiers: ClinVar variation 705976 (VCV000705976.18), dbSNP rs982734922, ClinGen allele CA52257085.

ClinVar aggregate classification (germline): Likely benign. Review status: criteria provided, multiple submitters, no conflicts (2 of 4 stars). 4 submissions from 4 submitters: Likely benign (3). 1 of the submissions does not count toward it. Last evaluated 2026-07-01.

Conditions:
SUCLG1-related disorder. Also called: SUCLG1-related condition.
Mitochondrial DNA depletion syndrome 9 (MTDPS9). Also called: SUCLG1-Related Mitochondrial DNA Depletion Syndrome, Encephalomyopathic Form with Methylmalonic Aciduria. Identifiers: Orphanet 17, MedGen C3151476, MONDO:0009504, OMIM 245400.

Allele frequency attached by ClinVar (database versions not stated): TOPMed 0.00008; gnomAD exomes 0.00012.
gnomAD v4.1: 30 of 1,549,972 alleles (0.0019%); highest among the groups gnomAD compares: Admixed American, 0.055%; no homozygotes.

Submissions (4):

CeGaT Center for Human Genetics Tuebingen
Classification: Likely benign. Last evaluated: 2026-07-01. Review status: criteria provided, single submitter. Criteria: CeGaT Center For Human Genetics Tuebingen Variant Classification Criteria Version 2. Collection method: clinical testing. Allele origin: germline. Affected: yes. Observed: 2 variant alleles.
Comment: SUCLG1: BP4, BP7

Labcorp Genetics (formerly Invitae), Labcorp
Classification: Likely benign for Mitochondrial DNA depletion syndrome 9. Last evaluated: 2025-04-13. Review status: criteria provided, single submitter. Criteria: Invitae Variant Classification Sherloc (09022015). Collection method: clinical testing. Allele origin: germline.

GeneDx
Classification: Likely benign. Last evaluated: 2020-07-15. Review status: criteria provided, single submitter. Criteria: GeneDx Variant Classification Process June 2021. Collection method: clinical testing. Allele origin: germline. Affected: yes.

PreventionGenetics, part of Exact Sciences
Classification: Likely benign for SUCLG1-related condition. Last evaluated: 2019-07-02. Review status: no assertion criteria provided. Collection method: clinical testing. Allele origin: germline. Not counted in ClinVar's aggregate classification.
Comment: This variant is classified as likely benign based on ACMG/AMP sequence variant interpretation guidelines (Richards et al. 2015 PMID: 25741868, with internal and published modifications).